The following is an entry in ClinVar:

NM_002637.4(PHKA1):c.741C>T (p.Pro247=)

Gene: PHKA1 (phosphorylase kinase regulatory subunit alpha 1; minus strand). Cytogenetic location: Xq13.1.
Variant type: single nucleotide variant.
Coding change: c.741C>T on transcript NM_002637.4 (MANE Select); coding-DNA position 741, C replaced by T.
Protein change: p.Pro247=; no amino-acid change (proline 247 retained).
Molecular consequence: synonymous variant.
Genome position (GRCh38, 1-based): chrX:72,666,274, G>A on the plus strand (C>T on the coding strand, the complement: PHKA1 is on the minus strand). VCF-style: chrX-72666274-G-A. GRCh37 (hg19) VCF-style: chrX-71886124-G-A.
Other names: c.741C>T, p.Pro247= (NM_001440787.1, NM_001440788.1, NM_001122670.2 and 2 more transcripts).
Identifiers: ClinVar variation 4083754 (VCV004083754.9).

ClinVar aggregate classification (germline): Conflicting classifications of pathogenicity. Review status: criteria provided, conflicting classifications (1 of 4 stars). 2 submissions from 2 submitters: Uncertain significance (1); Likely benign (1). Last evaluated 2026-01-26.

Conditions:
Glycogen storage disease IXd (GSD9D). Also called: GSD IXd; Muscle Phosphorylase Kinase Deficiency. Identifiers: Orphanet 715, MedGen C1845151, MONDO:0010362, OMIM 300559.

gnomAD v4.1: 1 of 1,209,060 alleles (0.000083%); highest among the groups gnomAD compares: Non-Finnish European, 0.00011%; no homozygotes.

Submissions (2):

Labcorp Genetics (formerly Invitae), Labcorp
Classification: Likely benign for Glycogen storage disease IXd. Last evaluated: 2026-01-26. Review status: criteria provided, single submitter. Criteria: Invitae Variant Classification Sherloc (09022015). Collection method: clinical testing. Allele origin: germline.

CeGaT Center for Human Genetics Tuebingen
Classification: Uncertain significance. Last evaluated: 2025-08-01. Review status: criteria provided, single submitter. Criteria: CeGaT Center For Human Genetics Tuebingen Variant Classification Criteria Version 2. Collection method: clinical testing. Allele origin: germline. Affected: yes. Observed: 1 variant allele.
Comment: PHKA1: PM2:Supporting, BP4